The following is an entry in ClinVar:

NM_000089.4(COL1A2):c.1326G>T (p.Gly442=)

Gene: COL1A2 (collagen type I alpha 2 chain; plus strand). Cytogenetic location: 7q21.3.
Variant type: single nucleotide variant.
Coding change: c.1326G>T on transcript NM_000089.4 (MANE Select); coding-DNA position 1326, G replaced by T.
Protein change: p.Gly442=; no amino-acid change (glycine 442 retained).
Molecular consequence: synonymous variant.
Genome position (GRCh38, 1-based): chr7:94,411,130, G>T. VCF-style: chr7-94411130-G-T. GRCh37 (hg19) VCF-style: chr7-94040442-G-T.
Identifiers: ClinVar variation 850836 (VCV000850836.11), dbSNP rs779173151, ClinGen allele CA456488689.
Genomic context (GRCh38, chr7:94,411,130, plus strand): 5'-TCGTGGTGCAAGTGGCCCTGCTGGAGTCCGAGGACCTAATGGAGATGCTGGTCGCCCTGG[G>T]GAGCCTGGTCTCATGGGACCCAGAGTAAGTTTCAAACTGATTCTGAGCAAATCACACCTG-3'
Protein context (NP_000080.2, residues 432-452): RGPNGDAGRP[Gly442=]EPGLMGPRGL

ClinVar aggregate classification (germline): Uncertain significance (1 of 4 stars; one submission).

Conditions:
Osteogenesis imperfecta type I (OI1). Also called: Lobstein's Disease; Classic Non-deforming Osteogenesis Imperfecta with Blue Sclerae; Lobstein disease; OI, TYPE I; OSTEOGENESIS IMPERFECTA TARDA; OSTEOGENESIS IMPERFECTA WITH BLUE SCLERAE. Identifiers: Orphanet 216796, Orphanet 666, MedGen C0023931, MONDO:0008146, OMIM 166200. Disease mechanism: loss of function.
Ehlers-Danlos syndrome, classic type, 1 (EDSCL1). Also called: Ehlers-Danlos syndrome, type 1; Ehlers-Danlos Syndrome, Classic Type, COL5A1-Related; EDS I; EHLERS-DANLOS SYNDROME, GRAVIS TYPE; EHLERS-DANLOS SYNDROME, SEVERE CLASSIC TYPE. Identifiers: MedGen C0268335, MONDO:0019567, OMIM 130000.

gnomAD v4.1: 12 of 1,594,116 alleles (0.00075%); highest among the groups gnomAD compares: Non-Finnish European, 0.001%; no homozygotes.

Submission:

Labcorp Genetics (formerly Invitae), Labcorp
Classification: Uncertain significance for Osteogenesis imperfecta type I; Ehlers-Danlos syndrome, classic type, 1. Last evaluated: 2024-07-30. Review status: criteria provided, single submitter. Criteria: Invitae Variant Classification Sherloc (09022015). Collection method: clinical testing. Allele origin: germline.
Comment: This sequence change affects codon 442 of the COL1A2 mRNA. It is a 'silent' change, meaning that it does not change the encoded amino acid sequence of the COL1A2 protein. The frequency data for this variant in the population databases is considered unreliable, as metrics indicate poor data quality at this position in the gnomAD database. This variant has not been reported in the literature in individuals affected with COL1A2-related conditions. ClinVar contains an entry for this variant (Variation ID: 850836). Algorithms developed to predict the effect of sequence changes on RNA splicing suggest that this variant may create or strengthen a splice site. In summary, the available evidence is currently insufficient to determine the role of this variant in disease. Therefore, it has been classified as a Variant of Uncertain Significance.